The following is an entry in ClinVar:

NM_001164508.2(NEB):c.3589AAC[1] (p.Asn1198del)

Gene: NEB (nebulin; minus strand). Cytogenetic location: 2q23.3.
Variant type: Microsatellite.
Coding change: c.3589AAC[1] on transcript NM_001164508.2 (MANE Select); one copy of the 3-base unit AAC starting at c.3589; the reference has two copies in a row; one copy, 3 bases deleted.
Protein change: p.Asn1198del; deletes asparagine 1198.
Molecular consequence: inframe deletion.
Genome position (GRCh38, 1-based): chr2:151,677,745-151,677,747, GTT deleted on the plus strand (AAC on the coding strand, the reverse complement: NEB is on the minus strand); deleting any 3 consecutive bases within chr2:151,677,745-151,677,752 gives the same sequence; the position shown is the placement nearest the transcript's 3' end. VCF-style (leftmost placement, unchanged base first): chr2-151677744-AGTT-A. GRCh37 (hg19) VCF-style: chr2-152534258-AGTT-A.
Other names: c.3592_3594delAAC (NM_001271208.1); c.3589AAC[1], p.Asn1198del (NM_001164507.2, NM_001271208.2, NM_004543.5); c.3592_3594del (NM_001271208.1); short protein forms N1198del.
Identifiers: ClinVar variation 282921 (VCV000282921.9), dbSNP rs886042521, ClinGen allele CA10604345.

ClinVar aggregate classification (germline): Uncertain significance. Review status: criteria provided, multiple submitters, no conflicts (2 of 4 stars). 4 submissions from 4 submitters: Uncertain significance (4). Last evaluated 2025-07-23.

Conditions:
NEB-related disorder. Also called: NEB-Related Disorders; NEB-related condition.

Submissions (4):

GeneDx
Classification: Uncertain significance. Last evaluated: 2025-07-23. Review status: criteria provided, single submitter. Criteria: GeneDx Variant Classification Process June 2021. Collection method: clinical testing. Allele origin: germline.
Comment: In-frame deletion of 1 amino acid in a non-repeat region; Has not been previously published as pathogenic or benign to our knowledge; In silico analysis does not support a benign or deleterious effect of this variant on protein structure/function

PreventionGenetics, part of Exact Sciences
Classification: Uncertain significance for NEB-related condition. Last evaluated: 2025-01-22. Review status: criteria provided, single submitter. Criteria: ACMG Guidelines, 2015. Collection method: clinical testing. Allele origin: germline.
Comment: The NEB c.3592_3594delAAC variant is predicted to result in an in-frame deletion (p.Asn1198del). To our knowledge, this variant has not been reported in the literature. This variant is reported in 3 of ~281,000 alleles (0.042%) in the "Other" population in the gnomAD database. At this time, the clinical significance of this variant is uncertain due to the absence of conclusive functional and genetic evidence.

Blueprint Genetics
Classification: Uncertain significance. Last evaluated: 2024-07-11. Review status: criteria provided, single submitter. Criteria: ACMG Guidelines, 2015. Collection method: clinical testing. Allele origin: germline.

Eurofins Ntd Llc (ga)
Classification: Uncertain significance. Last evaluated: 2015-08-25. Review status: criteria provided, single submitter. Criteria: EGL Classification Definitions 2015. Collection method: clinical testing. Allele origin: germline. Observed: 1 variant allele.